The following is an entry in ClinVar:

NM_000350.3(ABCA4):c.5644A>G (p.Met1882Val)

Gene: ABCA4 (ATP binding cassette subfamily A member 4; minus strand). Cytogenetic location: 1p22.1.
Variant type: single nucleotide variant.
Coding change: c.5644A>G on transcript NM_000350.3 (MANE Select); coding-DNA position 5644, A replaced by G.
Protein change: p.Met1882Val; replaces methionine 1882 with valine.
Molecular consequence: missense variant.
Genome position (GRCh38, 1-based): chr1:94,010,870, T>C on the plus strand (A>G on the coding strand, the complement: ABCA4 is on the minus strand). VCF-style: chr1-94010870-T-C. GRCh37 (hg19) VCF-style: chr1-94476426-T-C.
Other names: c.5422A>G, p.Met1808Val (NM_001425324.1); short protein forms M1882V, M1808V.
Identifiers: ClinVar variation 99391 (VCV000099391.3), dbSNP rs62642577, ClinGen allele CA227325.
Genomic context (GRCh38, chr1:94,010,870, plus strand): 5'-GGAAGAAGTGGCGCTGGACCAGCAGGGTCAGGAGGAAGTACACCACCCCTTCCACCACCA[T>C]GGCAAACAGGTTCTTCCCAATCAGGTCCCAGTGGAACGGATTTGCAGAGTGCTCCTCACC-3'
Protein context (NP_000341.2, residues 1872-1892): WDLIGKNLFA[Met1882Val]VVEGVVYFLL

ClinVar aggregate classification (germline): Conflicting classifications of pathogenicity. Review status: criteria provided, conflicting classifications (1 of 4 stars). 3 submissions from 3 submitters: Pathogenic (1); Uncertain significance (1). 1 of the submissions does not count toward it. Last evaluated 2024-08-21.

Conditions:
ABCA4-related disorder. Also called: ABCA4-related disorders; ABCA4-related condition. Identifiers: MedGen CN239167.

Allele frequency attached by ClinVar (database versions not stated): gnomAD exomes below 0.00001.

Submissions (3):

Women's Health and Genetics/Laboratory Corporation of America, LabCorp
Classification: Uncertain significance. Last evaluated: 2024-08-21. Review status: criteria provided, single submitter. Criteria: LabCorp Variant Classification Summary - May 2015. Collection method: clinical testing. Allele origin: germline.
Comment: Variant summary: ABCA4 c.5644A>G (p.Met1882Val) results in a conservative amino acid change located in the ABC-2 type transporter, transmembrane domain (IPR013525) of the encoded protein sequence. Three of five in-silico tools predict a damaging effect of the variant on protein function. The variant was absent in 251436 control chromosomes. c.5644A>G has been reported in the literature in compound heterozygous individuals affected with Retinitis Pigmentosa (Del Pozo-Valero_2020). These data indicate that the variant may be associated with disease. To our knowledge, no experimental evidence demonstrating an impact on protein function has been reported. The following publications have been ascertained in the context of this evaluation (PMID: 32619608, 12202497). ClinVar contains an entry for this variant (Variation ID: 99391). Based on the evidence outlined above, the variant was classified as VUS-possibly pathogenic.

Blueprint Genetics
Classification: Pathogenic for ABCA4-related disorders. Last evaluated: 2024-02-27. Review status: criteria provided, single submitter. Criteria: ACMG Guidelines, 2015. Collection method: clinical testing. Allele origin: germline. Affected: yes. Observed: 5 variant alleles.

Retina International
No classification provided. Review status: no classification provided. Collection method: not provided. Allele origin: not provided. Not counted in ClinVar's aggregate classification.

Literature cited by the submitters: PubMed 32619608 (cited by Women's Health and Genetics/Laboratory Corporation of America, LabCorp); PubMed 12202497 (cited by Women's Health and Genetics/Laboratory Corporation of America, LabCorp).